The following is an entry in ClinVar:

ClinVar aggregate classification (germline): Uncertain significance (1 of 4 stars; one submission).

Allele frequency attached by ClinVar (database versions not stated): gnomAD exomes below 0.00001; ExAC 0.00001.
gnomAD v4.1: 2 of 1,614,206 alleles (0.00012%); highest among the groups gnomAD compares: Non-Finnish European, 0.000085%; no homozygotes.

Submission:

Labcorp Genetics (formerly Invitae), Labcorp
Classification: Uncertain significance. Last evaluated: 2017-09-30. Review status: criteria provided, single submitter. Criteria: Invitae Variant Classification Sherloc (09022015). Collection method: clinical testing. Allele origin: germline.
Comment: This sequence change replaces aspartic acid with asparagine at codon 1224 of the MTOR protein (p.Asp1224Asn). The aspartic acid residue is moderately conserved and there is a small physicochemical difference between aspartic acid and asparagine. This variant is present in population databases (rs768134770, ExAC 0.001%). This variant has not been reported in the literature in individuals with MTOR-related disease. Algorithms developed to predict the effect of missense changes on protein structure and function (SIFT, PolyPhen-2, Align-GVGD) all suggest that this variant is likely to be tolerated, but these predictions have not been confirmed by published functional studies and their clinical significance is uncertain. In summary, the available evidence is currently insufficient to determine the role of this variant in disease. Therefore, it has been classified as a Variant of Uncertain Significance.

NM_004958.4(MTOR):c.3670G>A (p.Asp1224Asn)

Gene: MTOR (mechanistic target of rapamycin kinase; minus strand). Cytogenetic location: 1p36.22.
Variant type: single nucleotide variant.
Coding change: c.3670G>A on transcript NM_004958.4 (MANE Select); coding-DNA position 3670, G replaced by A.
Protein change: p.Asp1224Asn; replaces aspartic acid 1224 with asparagine.
Molecular consequence: missense variant.
Genome position (GRCh38, 1-based): chr1:11,209,443, C>T on the plus strand (G>A on the coding strand, the complement: MTOR is on the minus strand). VCF-style: chr1-11209443-C-T. GRCh37 (hg19) VCF-style: chr1-11269500-C-T.
Other names: short protein forms D1224N.
Identifiers: ClinVar variation 1005041 (VCV001005041.8), dbSNP rs768134770, ClinGen allele CA590145.